The following is an entry in ClinVar:

NM_001868.4(CPA1):c.65+1dup

Gene: CPA1 (carboxypeptidase A1; plus strand). Cytogenetic location: 7q32.2.
Variant type: Duplication.
Coding change: c.65+1dup on transcript NM_001868.4 (MANE Select); the canonical splice donor site of the intron after coding-DNA position 65, one base duplicated (G; older notation c.65+1dupG).
Molecular consequence: splice donor variant.
Genome position (GRCh38, 1-based): chr7:130,380,586, G duplicated; the last of 4 consecutive G bases (chr7:130,380,583-130,380,586); duplicating any one gives the same sequence. VCF-style (leftmost placement, unchanged base first): chr7-130380582-T-TG. GRCh37 (hg19) VCF-style: chr7-130020423-T-TG.
Identifiers: ClinVar variation 2860528 (VCV002860528.3), dbSNP rs1796391098, ClinGen allele CA1107180537.

ClinVar aggregate classification (germline): Uncertain significance (1 of 4 stars; one submission).

Submission:

Labcorp Genetics (formerly Invitae), Labcorp
Classification: Uncertain significance. Last evaluated: 2024-12-02. Review status: criteria provided, single submitter. Criteria: Invitae Variant Classification Sherloc (09022015). Collection method: clinical testing. Allele origin: germline.
Comment: This sequence change affects a splice site in intron 1 of the CPA1 gene. It is expected to disrupt RNA splicing. Variants that disrupt the donor or acceptor splice site typically lead to a loss of protein function (PMID: 16199547), however the current clinical and genetic evidence is not sufficient to establish whether loss-of-function variants in CPA1 cause disease. This variant is not present in population databases (gnomAD no frequency). This variant has not been reported in the literature in individuals affected with CPA1-related conditions. ClinVar contains an entry for this variant (Variation ID: 2860528). In summary, the available evidence is currently insufficient to determine the role of this variant in disease. Therefore, it has been classified as a Variant of Uncertain Significance.

Literature cited by the submitters: PubMed 16199547.